The following is an entry in ClinVar:

ClinVar aggregate classification (germline): Uncertain significance. Review status: criteria provided, multiple submitters, no conflicts (2 of 4 stars). 3 submissions from 3 submitters: Uncertain significance (3). Last evaluated 2025-09-22.

Conditions:
Inborn genetic diseases. Identifiers: MedGen C0950123, MeSH D030342.

Allele frequency attached by ClinVar (database versions not stated): gnomAD 0.00002; ExAC 0.00004; TOPMed below 0.00001; gnomAD exomes 0.00004.
gnomAD v4.1: 56 of 1,610,468 alleles (0.0035%); highest among the groups gnomAD compares: East Asian, 0.0067%; no homozygotes.

Submissions (3):

Ambry Genetics
Classification: Uncertain significance for Inborn genetic diseases. Last evaluated: 2025-09-22. Review status: criteria provided, single submitter. Criteria: Ambry Variant Classification Scheme 2023. Collection method: clinical testing. Allele origin: germline.

GeneDx
Classification: Uncertain significance. Last evaluated: 2023-03-08. Review status: criteria provided, single submitter. Criteria: GeneDx Variant Classification Process June 2021. Collection method: clinical testing. Allele origin: germline. Affected: yes.
Comment: In silico analysis supports that this missense variant does not alter protein structure/function; Has not been previously published as pathogenic or benign to our knowledge

Labcorp Genetics (formerly Invitae), Labcorp
Classification: Uncertain significance. Last evaluated: 2022-06-10. Review status: criteria provided, single submitter. Criteria: Invitae Variant Classification Sherloc (09022015). Collection method: clinical testing. Allele origin: germline.
Comment: In summary, the available evidence is currently insufficient to determine the role of this variant in disease. Therefore, it has been classified as a Variant of Uncertain Significance. Algorithms developed to predict the effect of missense changes on protein structure and function are either unavailable or do not agree on the potential impact of this missense change (SIFT: "Tolerated"; PolyPhen-2: "Not Available"; Align-GVGD: "Class C0"). This variant has not been reported in the literature in individuals affected with MICU1-related conditions. The frequency data for this variant in the population databases is considered unreliable, as metrics indicate poor data quality at this position in the gnomAD database. This sequence change replaces arginine, which is basic and polar, with histidine, which is basic and polar, at codon 303 of the MICU1 protein (p.Arg303His).

NM_001195518.2(MICU1):c.902G>A (p.Arg301His)

Gene: MICU1 (mitochondrial calcium uptake 1; minus strand). Cytogenetic location: 10q22.1.
Variant type: single nucleotide variant.
Coding change: c.902G>A on transcript NM_001195518.2 (MANE Select); coding-DNA position 902, G replaced by A.
Protein change: p.Arg301His; replaces arginine 301 with histidine.
Molecular consequence: missense variant.
Genome position (GRCh38, 1-based): chr10:72,475,131, C>T on the plus strand (G>A on the coding strand, the complement: MICU1 is on the minus strand). VCF-style: chr10-72475131-C-T. GRCh37 (hg19) VCF-style: chr10-74234889-C-T.
Other names: c.908G>A (NM_006077.3); c.308G>A, p.Arg103His (NM_001195519.2); c.920G>A, p.Arg307His (NM_001363513.2); c.908G>A, p.Arg303His (NM_006077.4); short protein forms R301H, R303H, R307H, R103H.
Identifiers: ClinVar variation 1896171 (VCV001896171.5), dbSNP rs754187624, ClinGen allele CA5550135.
Genomic context (GRCh38, chr10:72,475,131, plus strand): 5'-TGGATCTACTGAGTCTAAGGAAGACCTACCTCAAGCTTCAGAACATCATGCTGCAGTTTA[C>T]GCTGAAATTCGAGGAAGTTTTTGATTGTCAGCTTTCCCTTCAGATCAGCTCCAAAAAAGT-3'
Protein context (NP_001182447.1, residues 291-311): LTIKNFLEFQ[Arg301His]KLQHDVLKLE